The following is an entry in ClinVar:

ClinVar aggregate classification (germline): Uncertain significance. Review status: criteria provided, multiple submitters, no conflicts (2 of 4 stars). 2 submissions from 2 submitters: Uncertain significance (2). Last evaluated 2024-01-23.

Allele frequency attached by ClinVar (database versions not stated): gnomAD exomes 0.00002; TOPMed below 0.00001; ExAC 0.00001.
gnomAD v4.1: 13 of 1,612,658 alleles (0.00081%); highest among the groups gnomAD compares: Admixed American, 0.0033%; no homozygotes.

Submissions (2):

GeneDx
Classification: Uncertain significance. Last evaluated: 2024-01-23. Review status: criteria provided, single submitter. Criteria: GeneDx Variant Classification Process June 2021. Collection method: clinical testing. Allele origin: germline. Affected: yes.
Comment: Not observed at significant frequency in large population cohorts (gnomAD); Missense variant in a gene in which most reported pathogenic variants are truncating/loss of function; Has not been previously published as pathogenic or benign to our knowledge; Located in a region of TTN within the I-band in which the majority of loss of function variants are significantly associated with autosomal dominant titinopathies (PMID: 27625338, 27869827)

Eurofins Ntd Llc (ga)
Classification: Uncertain significance. Last evaluated: 2017-10-20. Review status: criteria provided, single submitter. Criteria: EGL Classification Definitions 2015. Collection method: clinical testing. Allele origin: germline. Observed: 1 variant allele, 1 heterozygote.

NM_001267550.2(TTN):c.26755G>A (p.Val8919Ile)

Gene: TTN (titin; minus strand). Cytogenetic location: 2q31.2.
Variant type: single nucleotide variant.
Coding change: c.26755G>A on transcript NM_001267550.2 (MANE Select); coding-DNA position 26755, G replaced by A.
Protein change: p.Val8919Ile; replaces valine 8919 with isoleucine.
Molecular consequence: missense variant. On other transcripts: intron variant (3).
Genome position (GRCh38, 1-based): chr2:178,713,903, C>T on the plus strand (G>A on the coding strand, the complement: TTN is on the minus strand). VCF-style: chr2-178713903-C-T. GRCh37 (hg19) VCF-style: chr2-179578630-C-T.
Other names: c.25804G>A, p.Val8602Ile (NM_001256850.1); c.23023G>A, p.Val7675Ile (NM_133378.4); c.13282+24179G>A (NM_003319.4); c.13858+24179G>A (NM_133437.4); c.13657+24179G>A (NM_133432.3); c.26755G>A (NM_001267550.1); short protein forms V8919I, V7675I, V8602I.
Identifiers: ClinVar variation 594556 (VCV000594556.6), dbSNP rs774905023, ClinGen allele CA1999946.